The following is an entry in ClinVar:

NM_004385.5(VCAN):c.5980G>T (p.Val1994Phe)

Genes: VCAN-AS1 (VCAN antisense RNA 1; minus strand), VCAN (versican; plus strand). Cytogenetic location: 5q14.3.
Variant type: single nucleotide variant.
Coding change: c.5980G>T on transcript NM_004385.5 (MANE Select); coding-DNA position 5980, G replaced by T.
Protein change: p.Val1994Phe; replaces valine 1994 with phenylalanine.
Molecular consequence: missense variant. On other transcripts: intron variant (2).
Genome position (GRCh38, 1-based): chr5:83,538,983, G>T. VCF-style: chr5-83538983-G-T. GRCh37 (hg19) VCF-style: chr5-82834802-G-T.
Other names: c.3019G>T, p.Val1007Phe (NM_001164097.2); c.4004-6554G>T (NM_001164098.2); c.1043-6554G>T (NM_001126336.3); short protein forms V1994F, V1007F.
Identifiers: ClinVar variation 2969102 (VCV002969102.3), dbSNP rs1746845608, ClinGen allele CA360311573.

ClinVar aggregate classification (germline): Uncertain significance (1 of 4 stars; one submission).

Submission:

Labcorp Genetics (formerly Invitae), Labcorp
Classification: Uncertain significance. Last evaluated: 2023-12-13. Review status: criteria provided, single submitter. Criteria: Invitae Variant Classification Sherloc (09022015). Collection method: clinical testing. Allele origin: germline.
Comment: This sequence change replaces valine, which is neutral and non-polar, with phenylalanine, which is neutral and non-polar, at codon 1994 of the VCAN protein (p.Val1994Phe). This variant is not present in population databases (gnomAD no frequency). This variant has not been reported in the literature in individuals affected with VCAN-related conditions. An algorithm developed to predict the effect of missense changes on protein structure and function (PolyPhen-2) suggests that this variant is likely to be disruptive. In summary, the available evidence is currently insufficient to determine the role of this variant in disease. Therefore, it has been classified as a Variant of Uncertain Significance.